The following is an entry in ClinVar:

NM_001177701.3(IFT27):c.118_125del (p.Thr40fs)

Gene: IFT27 (intraflagellar transport 27; minus strand). Cytogenetic location: 22q12.3.
Variant type: Deletion.
Coding change: c.118_125del on transcript NM_001177701.3 (MANE Select); coding-DNA positions 118 to 125, 8 bases deleted (ACAGGAAT; older notation c.118_125delACAGGAAT).
Protein change: p.Thr40fs; shifts the reading frame from threonine 40.
Molecular consequence: frameshift variant.
Genome position (GRCh38, 1-based): chr22:36,767,355-36,767,362, ATTCCTGT deleted on the plus strand (ACAGGAAT on the coding strand, the reverse complement: IFT27 is on the minus strand). VCF-style (leftmost placement, unchanged base first): chr22-36767354-CATTCCTGT-C. GRCh37 (hg19) VCF-style: chr22-37163398-CATTCCTGT-C.
Other names: c.118_125del, p.Thr40fs (NM_001363003.2); c.115_122del, p.Thr39fs (NM_006860.5); short protein forms T39fs, T40fs.
Identifiers: ClinVar variation 2910479 (VCV002910479.3), dbSNP rs2517829457, ClinGen allele CA2577704126.

ClinVar aggregate classification (germline): Pathogenic (1 of 4 stars; one submission).

Allele frequency attached by ClinVar (database versions not stated): gnomAD exomes 0.00001.

Submission:

Labcorp Genetics (formerly Invitae), Labcorp
Classification: Pathogenic. Last evaluated: 2023-07-17. Review status: criteria provided, single submitter. Criteria: Invitae Variant Classification Sherloc (09022015). Collection method: clinical testing. Allele origin: germline.
Comment: This sequence change creates a premature translational stop signal (p.Thr39Glyfs*11) in the IFT27 gene. It is expected to result in an absent or disrupted protein product. Loss-of-function variants in IFT27 are known to be pathogenic (PMID: 24488770, 25446516). This variant is not present in population databases (gnomAD no frequency). This premature translational stop signal has been observed in individual(s) with clinical features of IFT27-related conditions (PMID: 29704304). This variant is also known as c.118_125del (p.Thr40Glyfs*11). Algorithms developed to predict the effect of sequence changes on RNA splicing suggest that this variant may create or strengthen a splice site. For these reasons, this variant has been classified as Pathogenic.

Literature cited by the submitters: PubMed 24488770; PubMed 25446516; PubMed 29704304.